The following is an entry in ClinVar:

NM_000490.5(AVP):c.329G>A (p.Cys110Tyr)

Gene: AVP (arginine vasopressin; minus strand). Cytogenetic location: 20p13.
Variant type: single nucleotide variant.
Coding change: c.329G>A on transcript NM_000490.5 (MANE Select); coding-DNA position 329, G replaced by A.
Protein change: p.Cys110Tyr; replaces cysteine 110 with tyrosine.
Molecular consequence: missense variant.
Genome position (GRCh38, 1-based): chr20:3,082,796, C>T on the plus strand (G>A on the coding strand, the complement: AVP is on the minus strand). VCF-style: chr20-3082796-C-T. GRCh37 (hg19) VCF-style: chr20-3063442-C-T.
Other names: c.329G>A (LRG_715t1); short protein forms C110Y.
Identifiers: ClinVar variation 383370 (VCV000383370.9), dbSNP rs1057521601, ClinGen allele CA16609034.

ClinVar aggregate classification (germline): Conflicting classifications of pathogenicity. Review status: criteria provided, conflicting classifications (1 of 4 stars). 4 submissions from 4 submitters: Likely pathogenic (1); Uncertain significance (2); Uncertain risk allele (1). Last evaluated 2025-06-11.

Conditions:
AVP-related disorder. Also called: AVP-related condition.
Neurohypophyseal diabetes insipidus. Also called: Diabetes Insipidus, Neurogenic; DIABETES INSIPIDUS, PRIMARY CENTRAL; Hereditary arginine vasopressin deficiency. Identifiers: Orphanet 178029, Orphanet 30925, MedGen C0342394, MONDO:0007450, OMIM 125700.

Submissions (4):

GeneDx
Classification: Uncertain significance. Last evaluated: 2025-06-11. Review status: criteria provided, single submitter. Criteria: GeneDx Variant Classification Process June 2021. Collection method: clinical testing. Allele origin: germline. Affected: yes.
Comment: In silico analysis supports that this missense variant has a deleterious effect on protein structure/function; Not observed at significant frequency in large population cohorts (gnomAD); This variant is associated with the following publications: (PMID: Sa2022[abstract], Araujo2025[article], Ritter2022[abstract], 27513365)

Labcorp Genetics (formerly Invitae), Labcorp
Classification: Uncertain significance. Last evaluated: 2025-05-12. Review status: criteria provided, single submitter. Criteria: Invitae Variant Classification Sherloc (09022015). Collection method: clinical testing. Allele origin: germline.
Comment: This sequence change replaces cysteine, which is neutral and slightly polar, with tyrosine, which is neutral and polar, at codon 110 of the AVP protein (p.Cys110Tyr). This variant is not present in population databases (gnomAD no frequency). This missense change has been observed in individuals with familial neurohypophyseal diabetes insipidus (FNDI) (PMID: 27513365; internal data). ClinVar contains an entry for this variant (Variation ID: 383370). An algorithm developed to predict the effect of missense changes on protein structure and function (PolyPhen-2) suggests that this variant is likely to be disruptive. In summary, the available evidence is currently insufficient to determine the role of this variant in disease. Therefore, it has been classified as a Variant of Uncertain Significance.

Blueprint Genetics
Classification: Likely pathogenic for AVP-related disorders. Last evaluated: 2019-04-10. Review status: criteria provided, single submitter. Criteria: ACMG Guidelines, 2015. Collection method: clinical testing. Allele origin: germline. Affected: yes. Observed: 1 variant allele.

Clinical Genomics, Uppaluri K&H Personalized Medicine Clinic
Classification: Uncertain risk allele for Neurohypophyseal diabetes insipidus. Review status: criteria provided, single submitter. Criteria: K And H Uppaluri Personalized Medicine Clinic Variant Classification And Assertion Criteria Updated V 2. Collection method: research. Allele origin: unknown. Inheritance: Autosomal dominant inheritance.
Comment: Potent mutations in AVP gene can lead to decreased production of Anti Diuretic hormone which leads to central Diabetes insipidus.This particular variant rs1057521601 can predispose Familial Neurohypophysial Diabetes Insipidus (FNDI) and strength of predisposition is yet to be studied

Literature cited by the submitters: PubMed 27513365 (cited by Labcorp Genetics (formerly Invitae), Labcorp); PubMed 28008190 (cited by Clinical Genomics, Uppaluri K&H Personalized Medicine Clinic).